The following is an entry in ClinVar:

NM_145290.4(ADGRA3):c.1911A>C (p.Gln637His)

Gene: ADGRA3 (adhesion G protein-coupled receptor A3; minus strand). Cytogenetic location: 4p15.2.
Variant type: single nucleotide variant.
Coding change: c.1911A>C on transcript NM_145290.4 (MANE Select); coding-DNA position 1911, A replaced by C.
Protein change: p.Gln637His; replaces glutamine 637 with histidine.
Molecular consequence: missense variant.
Genome position (GRCh38, 1-based): chr4:22,413,713, T>G on the plus strand (A>C on the coding strand, the complement: ADGRA3 is on the minus strand). VCF-style: chr4-22413713-T-G. GRCh37 (hg19) VCF-style: chr4-22415336-T-G.
Other names: c.1911A>C (NM_145290.2); short protein forms Q637H.
Identifiers: ClinVar variation 3012233 (VCV003012233.4), dbSNP rs755306068, ClinGen allele CA2873788.

ClinVar aggregate classification (germline): Uncertain significance. Review status: criteria provided, multiple submitters, no conflicts (2 of 4 stars). 2 submissions from 2 submitters: Uncertain significance (2). Last evaluated 2024-11-18.

Allele frequency attached by ClinVar (database versions not stated): gnomAD 0.00003; TOPMed 0.00003.
gnomAD v4.1: 23 of 1,613,772 alleles (0.0014%); highest among the groups gnomAD compares: East Asian, 0.047%; no homozygotes.

Submissions (2):

Labcorp Genetics (formerly Invitae), Labcorp
Classification: Uncertain significance. Last evaluated: 2024-11-18. Review status: criteria provided, single submitter. Criteria: Invitae Variant Classification Sherloc (09022015). Collection method: clinical testing. Allele origin: germline.
Comment: This sequence change replaces glutamine, which is neutral and polar, with histidine, which is basic and polar, at codon 637 of the ADGRA3 protein (p.Gln637His). This variant is present in population databases (rs755306068, gnomAD 0.1%), and has an allele count higher than expected for a pathogenic variant. This variant has not been reported in the literature in individuals affected with ADGRA3-related conditions. ClinVar contains an entry for this variant (Variation ID: 3012233). An algorithm developed to predict the effect of missense changes on protein structure and function (PolyPhen-2) suggests that this variant is likely to be tolerated. In summary, the available evidence is currently insufficient to determine the role of this variant in disease. Therefore, it has been classified as a Variant of Uncertain Significance.

Ambry Genetics
Classification: Uncertain significance. Last evaluated: 2024-04-04. Review status: criteria provided, single submitter. Criteria: Ambry Variant Classification Scheme 2023. Collection method: clinical testing. Allele origin: germline.